The following is an entry in ClinVar:

ClinVar aggregate classification (germline): Uncertain significance (1 of 4 stars; one submission).

Conditions:
Hereditary cancer-predisposing syndrome. Also called: Hereditary Cancer Syndrome; Neoplastic Syndromes, Hereditary; Tumor predisposition; Hereditary neoplastic syndrome. Identifiers: Orphanet 140162, MedGen C0027672, MeSH D009386, MONDO:0015356.

gnomAD v4.1: 3 of 1,614,212 alleles (0.00019%); highest among the groups gnomAD compares: Non-Finnish European, 0.00025%; no homozygotes.

Submission:

Ambry Genetics
Classification: Uncertain significance for Hereditary cancer-predisposing syndrome. Last evaluated: 2026-08-08. Review status: criteria provided, single submitter. Criteria: Ambry Variant Classification Scheme 2023. Collection method: clinical testing. Allele origin: germline.
Comment: The p.E1180D variant (also known as c.3540A>C), located in coding exon 28 of the EGFR gene, results from an A to C substitution at nucleotide position 3540. The glutamic acid at codon 1180 is replaced by aspartic acid, an amino acid with highly similar properties. This amino acid position is conserved. In addition, this alteration is predicted to be tolerated by in silico analysis. Based on the available evidence, the clinical significance of this variant remains unclear.

NM_005228.5(EGFR):c.3540A>C (p.Glu1180Asp)

Gene: EGFR (epidermal growth factor receptor; plus strand). Cytogenetic location: 7p11.2.
Variant type: single nucleotide variant.
Coding change: c.3540A>C on transcript NM_005228.5 (MANE Select); coding-DNA position 3540, A replaced by C.
Protein change: p.Glu1180Asp; replaces glutamic acid 1180 with aspartic acid.
Molecular consequence: missense variant.
Genome position (GRCh38, 1-based): chr7:55,205,524, A>C. VCF-style: chr7-55205524-A-C. GRCh37 (hg19) VCF-style: chr7-55273217-A-C.
Other names: c.3405A>C, p.Glu1135Asp (NM_001346899.2); c.3381A>C, p.Glu1127Asp (NM_001346900.2); c.2739A>C, p.Glu913Asp (NM_001346941.2); short protein forms E1135D, E913D, E1127D, E1180D.
Identifiers: ClinVar variation 5035812 (VCV005035812.1).